The following is an entry in ClinVar:

ClinVar aggregate classification (germline): Conflicting classifications of pathogenicity. Review status: criteria provided, conflicting classifications (1 of 4 stars). 2 submissions from 2 submitters: Likely pathogenic (1); Uncertain significance (1). Last evaluated 2026-03-02.

Conditions:
Adenylosuccinate lyase deficiency (ADSLD). Also called: ADSL DEFICIENCY. Identifiers: Orphanet 46, MedGen C0268126, MONDO:0007068, OMIM 103050.

Allele frequency attached by ClinVar (database versions not stated): gnomAD exomes 0.00001; TOPMed 0.00001; ExAC 0.00002.

Submissions (2):

GeneDx
Classification: Uncertain significance. Last evaluated: 2026-03-02. Review status: criteria provided, single submitter. Criteria: GeneDx Variant Classification Process June 2021. Collection method: clinical testing. Allele origin: germline.
Comment: Reported previously in two patients reported to have a very mild phenotype who also harbored a second variant; however, no specific clinical or segregation information was provided (PMID: 40914938); Not observed at significant frequency in large population cohorts (gnomAD); In silico analysis supports that this missense variant has a deleterious effect on protein structure/function; This variant is associated with the following publications: (PMID: 40914938)

Labcorp Genetics (formerly Invitae), Labcorp
Classification: Likely pathogenic for Adenylosuccinate lyase deficiency. Last evaluated: 2025-07-07. Review status: criteria provided, single submitter. Criteria: Invitae Variant Classification Sherloc (09022015). Collection method: clinical testing. Allele origin: germline.
Comment: This sequence change replaces methionine, which is neutral and non-polar, with isoleucine, which is neutral and non-polar, at codon 26 of the ADSL protein (p.Met26Ile). This variant is present in population databases (rs779612414, gnomAD 0.003%). This variant has not been reported in the literature in individuals affected with ADSL-related conditions. ClinVar contains an entry for this variant (Variation ID: 1407204). Invitae Evidence Modeling of protein sequence and biophysical properties (such as structural, functional, and spatial information, amino acid conservation, physicochemical variation, residue mobility, and thermodynamic stability) indicates that this missense variant is not expected to disrupt ADSL protein function with a negative predictive value of 80%. This variant disrupts the p.Met26 amino acid residue in ADSL. Other variant(s) that disrupt this residue have been determined to be pathogenic (PMID: 10958654, 33648541). This suggests that this residue is clinically significant, and that variants that disrupt this residue are likely to be disease-causing. In summary, the currently available evidence indicates that the variant is pathogenic, but additional data are needed to prove that conclusively. Therefore, this variant has been classified as Likely Pathogenic.

Literature cited by the submitters: PubMed 10958654 (cited by Labcorp Genetics (formerly Invitae), Labcorp); PubMed 33648541 (cited by Labcorp Genetics (formerly Invitae), Labcorp).

NM_000026.4(ADSL):c.78G>A (p.Met26Ile)

Gene: ADSL (adenylosuccinate lyase; plus strand). Cytogenetic location: 22q13.1.
Variant type: single nucleotide variant.
Coding change: c.78G>A on transcript NM_000026.4 (MANE Select); coding-DNA position 78, G replaced by A.
Protein change: p.Met26Ile; replaces methionine 26 with isoleucine.
Molecular consequence: missense variant. On other transcripts: 5 prime UTR variant (1), non-coding transcript variant (1).
Genome position (GRCh38, 1-based): chr22:40,346,636, G>A. VCF-style: chr22-40346636-G-A. GRCh37 (hg19) VCF-style: chr22-40742640-G-A.
Other names: c.78G>A, p.Met26Ile (NM_001123378.3, NM_001363840.3); c.-60G>A (NM_001317923.2); c.78G>A (NM_000026.2); short protein forms M26I.
Identifiers: ClinVar variation 1407204 (VCV001407204.10), dbSNP rs779612414, ClinGen allele CA10247602.